The following is an entry in ClinVar:

NM_022725.4(FANCF):c.419G>A (p.Arg140Gln)

Gene: FANCF (FA complementation group F; minus strand). Cytogenetic location: 11p14.3.
Variant type: single nucleotide variant.
Coding change: c.419G>A on transcript NM_022725.4 (MANE Select); coding-DNA position 419, G replaced by A.
Protein change: p.Arg140Gln; replaces arginine 140 with glutamine.
Molecular consequence: missense variant.
Genome position (GRCh38, 1-based): chr11:22,625,392, C>T on the plus strand (G>A on the coding strand, the complement: FANCF is on the minus strand). VCF-style: chr11-22625392-C-T. GRCh37 (hg19) VCF-style: chr11-22646938-C-T.
Other names: short protein forms R140Q.
Identifiers: ClinVar variation 1373268 (VCV001373268.9), dbSNP rs868692458, ClinGen allele CA219086645.

ClinVar aggregate classification (germline): Uncertain significance. Review status: criteria provided, multiple submitters, no conflicts (2 of 4 stars). 2 submissions from 2 submitters: Uncertain significance (2). Last evaluated 2022-01-04.

Conditions:
Fanconi anemia (FA). Also called: Fanconi's anemia. Identifiers: Orphanet 84, MedGen C0015625, MeSH D005199, MONDO:0019391.
Fanconi anemia complementation group F. Also called: FANCF-Related Fanconi Anemia. Identifiers: Orphanet 84, MedGen C3469526, MONDO:0011325, OMIM 603467.

Allele frequency attached by ClinVar (database versions not stated): gnomAD exomes below 0.00001; TOPMed 0.00001.

Submissions (2):

Fulgent Genetics
Classification: Uncertain significance for Fanconi anemia complementation group F. Last evaluated: 2022-01-04. Review status: criteria provided, single submitter. Criteria: ACMG Guidelines, 2015. Collection method: clinical testing. Allele origin: unknown.

Labcorp Genetics (formerly Invitae), Labcorp
Classification: Uncertain significance for Fanconi anemia. Last evaluated: 2021-02-07. Review status: criteria provided, single submitter. Criteria: Invitae Variant Classification Sherloc (09022015). Collection method: clinical testing. Allele origin: germline.
Comment: This variant is not present in population databases (ExAC no frequency). In summary, the available evidence is currently insufficient to determine the role of this variant in disease. Therefore, it has been classified as a Variant of Uncertain Significance. Algorithms developed to predict the effect of missense changes on protein structure and function are either unavailable or do not agree on the potential impact of this missense change (SIFT: "Tolerated"; PolyPhen-2: "Possibly Damaging"; Align-GVGD: "Class C0"). This variant has not been reported in the literature in individuals with FANCF-related conditions. This sequence change replaces arginine with glutamine at codon 140 of the FANCF protein (p.Arg140Gln). The arginine residue is weakly conserved and there is a small physicochemical difference between arginine and glutamine.